The following is an entry in ClinVar:

NM_000245.4(MET):c.196G>A (p.Ala66Thr)

Gene: MET (MET proto-oncogene, receptor tyrosine kinase; plus strand). Cytogenetic location: 7q31.2.
Variant type: single nucleotide variant.
Coding change: c.196G>A on transcript NM_000245.4 (MANE Select); coding-DNA position 196, G replaced by A.
Protein change: p.Ala66Thr; replaces alanine 66 with threonine.
Molecular consequence: missense variant. On other transcripts: intron variant (1).
Genome position (GRCh38, 1-based): chr7:116,699,280, G>A. VCF-style: chr7-116699280-G-A. GRCh37 (hg19) VCF-style: chr7-116339334-G-A.
Other names: c.196G>A, p.Ala66Thr (NM_001127500.3, NM_001324401.3); c.-91+26703G>A (NM_001324402.2); short protein forms A66T.
Identifiers: ClinVar variation 1783589 (VCV001783589.7), dbSNP rs770341307, ClinGen allele CA368968545.

ClinVar aggregate classification (germline): Uncertain significance. Review status: criteria provided, multiple submitters, no conflicts (2 of 4 stars). 2 submissions from 2 submitters: Uncertain significance (2). Last evaluated 2023-10-26.

Conditions:
Hereditary cancer-predisposing syndrome. Also called: Neoplastic Syndromes, Hereditary; Tumor predisposition; Hereditary Cancer Syndrome; Hereditary neoplastic syndrome. Identifiers: Orphanet 140162, MedGen C0027672, MeSH D009386, MONDO:0015356.
Renal cell carcinoma. Identifiers: Orphanet 217071, MedGen C0007134, MeSH D002292, MONDO:0005086, HP:0005584.

gnomAD v4.1: 1 of 1,613,996 alleles (0.000062%); highest among the groups gnomAD compares: South Asian, 0.0011%; no homozygotes.

Submissions (2):

Labcorp Genetics (formerly Invitae), Labcorp
Classification: Uncertain significance for Renal cell carcinoma. Last evaluated: 2023-10-26. Review status: criteria provided, single submitter. Criteria: Invitae Variant Classification Sherloc (09022015). Collection method: clinical testing. Allele origin: germline.
Comment: This sequence change replaces alanine, which is neutral and non-polar, with threonine, which is neutral and polar, at codon 66 of the MET protein (p.Ala66Thr). This variant is not present in population databases (gnomAD no frequency). This variant has not been reported in the literature in individuals affected with MET-related conditions. ClinVar contains an entry for this variant (Variation ID: 1783589). Advanced modeling of protein sequence and biophysical properties (such as structural, functional, and spatial information, amino acid conservation, physicochemical variation, residue mobility, and thermodynamic stability) performed at Invitae indicates that this missense variant is not expected to disrupt MET protein function with a negative predictive value of 80%. In summary, the available evidence is currently insufficient to determine the role of this variant in disease. Therefore, it has been classified as a Variant of Uncertain Significance.

Ambry Genetics
Classification: Uncertain significance for Hereditary cancer-predisposing syndrome. Last evaluated: 2022-04-24. Review status: criteria provided, single submitter. Criteria: Ambry Variant Classification Scheme 2023. Collection method: clinical testing. Allele origin: germline.
Comment: The p.A66T variant (also known as c.196G>A), located in coding exon 1 of the MET gene, results from a G to A substitution at nucleotide position 196. The alanine at codon 66 is replaced by threonine, an amino acid with similar properties. This amino acid position is conserved. In addition, the in silico prediction for this alteration is inconclusive. Since supporting evidence is limited at this time, the clinical significance of this alteration remains unclear.